The following is an entry in ClinVar:

ClinVar aggregate classification (germline): Uncertain significance (1 of 4 stars; one submission).

Conditions:
Kabuki syndrome 1 (KABUK1). Also called: KMT2D-Related Kabuki Syndrome. Identifiers: Orphanet 2322, MedGen CN030661, MONDO:0007843, OMIM 147920.

Submission:

3billion
Classification: Uncertain significance for Kabuki syndrome 1. Last evaluated: 2023-12-03. Review status: criteria provided, single submitter. Criteria: ACMG Guidelines, 2015. Collection method: clinical testing. Allele origin: germline. Affected: yes.
Comment: The variant is not observed in the gnomAD v2.1.1 dataset. Predicted Consequence/Location: Inframe deletion located in a nonrepeat region: predicted to change the length of the protein and disrupt normal protein function. Therefore, this variant is classified as VUS according to the recommendation of ACMG/AMP guideline.

NM_003482.4(KMT2D):c.16202_16213del (p.Leu5401_Ser5404del)

Gene: KMT2D (lysine methyltransferase 2D; minus strand). Cytogenetic location: 12q13.12.
Variant type: Deletion.
Coding change: c.16202_16213del on transcript NM_003482.4 (MANE Select); coding-DNA positions 16202 to 16213, 12 bases deleted (TGGCTCGCTCCC).
Protein change: p.Leu5401_Ser5404del.
Molecular consequence: inframe deletion.
Genome position (GRCh38, 1-based): chr12:49,022,715-49,022,726, GGGAGCGAGCCA deleted on the plus strand (TGGCTCGCTCCC on the coding strand, the reverse complement: KMT2D is on the minus strand); deleting any 12 consecutive bases within chr12:49,022,715-49,022,728 gives the same sequence; the c. name uses the placement nearest the transcript's 3' end. VCF-style (leftmost placement, unchanged base first): chr12-49022714-CGGGAGCGAGCCA-C. GRCh37 (hg19) VCF-style: chr12-49416497-CGGGAGCGAGCCA-C.
Identifiers: ClinVar variation 3775478 (VCV003775478.1).
Genomic context (GRCh38, chr12:49,022,714, plus strand): 5'-TCGATAACCATTGTGTGCTTTTCTAGGTCCTTGGCTGCATAGAGCCCCAGGCCCTGGATA[CGGGAGCGAGCCA>C]GGTACACGTTGTTCTTCCATTCGGTGCGCAGCCGCCGGTACTGAGATGACTTGGAGTGCA-3'